The following is an entry in ClinVar:

ClinVar aggregate classification (germline): Uncertain significance. Review status: criteria provided, multiple submitters, no conflicts (2 of 4 stars). 8 submissions from 8 submitters: Uncertain significance (8). Last evaluated 2025-10-01.

Conditions:
Hereditary spastic paraplegia. Also called: Familial spastic paraparesis. Identifiers: Orphanet 685, MedGen C0037773, MONDO:0019064. Disease mechanism: loss of function.
Inborn genetic diseases. Identifiers: MedGen C0950123, MeSH D030342.
Spastic ataxia 2. Also called: Ataxia, spastic, 2, autosomal recessive. Identifiers: Orphanet 397946, MedGen C1969796, MONDO:0012651, OMIM 611302.

Allele frequency attached by ClinVar (database versions not stated): 1000 Genomes Project 30x 0.00031; 1000 Genomes Project 0.00040; gnomAD exomes 0.00047 and 0.00105; TOPMed 0.00052; gnomAD 0.00054 and 0.00058; ESP Exome Variant Server 0.00092.
gnomAD v4.1: 1,590 of 1,598,050 alleles (0.099%); highest among the groups gnomAD compares: Non-Finnish European, 0.13%; no homozygotes.

Submissions (8):

CeGaT Center for Human Genetics Tuebingen
Classification: Uncertain significance. Last evaluated: 2025-10-01. Review status: criteria provided, single submitter. Criteria: CeGaT Center For Human Genetics Tuebingen Variant Classification Criteria Version 2. Collection method: clinical testing. Allele origin: germline. Affected: yes. Observed: 1 variant allele.

Blueprint Genetics
Classification: Uncertain significance. Last evaluated: 2024-11-20. Review status: criteria provided, single submitter. Criteria: ACMG Guidelines, 2015. Collection method: clinical testing. Allele origin: germline.

Fulgent Genetics
Classification: Uncertain significance for Spastic ataxia 2. Last evaluated: 2023-12-29. Review status: criteria provided, single submitter. Criteria: ACMG Guidelines, 2015. Collection method: clinical testing. Allele origin: germline.

Labcorp Genetics (formerly Invitae), Labcorp
Classification: Uncertain significance for Spastic ataxia 2. Last evaluated: 2022-09-13. Review status: criteria provided, single submitter. Criteria: Invitae Variant Classification Sherloc (09022015). Collection method: clinical testing. Allele origin: germline.
Comment: This sequence change replaces alanine, which is neutral and non-polar, with threonine, which is neutral and polar, at codon 860 of the KIF1C protein (p.Ala860Thr). This variant is present in population databases (rs143671350, gnomAD 0.1%), and has an allele count higher than expected for a pathogenic variant. This variant has not been reported in the literature in individuals affected with KIF1C-related conditions. ClinVar contains an entry for this variant (Variation ID: 432326). Algorithms developed to predict the effect of missense changes on protein structure and function are either unavailable or do not agree on the potential impact of this missense change (SIFT: "Deleterious"; PolyPhen-2: "Possibly Damaging"; Align-GVGD: "Class C0"). In summary, the available evidence is currently insufficient to determine the role of this variant in disease. Therefore, it has been classified as a Variant of Uncertain Significance.

Ambry Genetics
Classification: Uncertain significance for Inborn genetic diseases. Last evaluated: 2021-10-22. Review status: criteria provided, single submitter. Criteria: Ambry Variant Classification Scheme 2023. Collection method: clinical testing. Allele origin: germline.

GeneDx
Classification: Uncertain significance. Last evaluated: 2020-12-11. Review status: criteria provided, single submitter. Criteria: GeneDx Variant Classification Process June 2021. Collection method: clinical testing. Allele origin: germline. Affected: yes.
Comment: In silico analysis supports that this missense variant does not alter protein structure/function; Has not been previously published as pathogenic or benign to our knowledge

Knight Diagnostic Laboratories, Oregon Health and Sciences University
Classification: Uncertain significance for Spastic ataxia 2, autosomal recessive. Last evaluated: 2019-03-21. Review status: criteria provided, single submitter. Criteria: ACMG Guidelines, 2015. Collection method: clinical testing. Allele origin: germline. Observed: 1 variant allele.

Genome Diagnostics Laboratory, The Hospital for Sick Children
Classification: Uncertain significance for Hereditary spastic paraplegia. Last evaluated: 2016-12-12. Review status: criteria provided, single submitter. Criteria: ACMG Guidelines, 2015. Collection method: clinical testing. Allele origin: germline. Affected: yes.

NM_006612.6(KIF1C):c.2578G>A (p.Ala860Thr)

Gene: KIF1C (kinesin family member 1C; plus strand). Cytogenetic location: 17p13.2.
Variant type: single nucleotide variant.
Coding change: c.2578G>A on transcript NM_006612.6 (MANE Select); coding-DNA position 2578, G replaced by A.
Protein change: p.Ala860Thr; replaces alanine 860 with threonine.
Molecular consequence: missense variant.
Genome position (GRCh38, 1-based): chr17:5,022,659, G>A. VCF-style: chr17-5022659-G-A. GRCh37 (hg19) VCF-style: chr17-4925954-G-A.
Other names: short protein forms A860T.
Identifiers: ClinVar variation 432326 (VCV000432326.25), dbSNP rs143671350, ClinGen allele CA8319324.